The following is an entry in ClinVar:

NM_032043.3(BRIP1):c.3569G>C (p.Cys1190Ser)

Gene: BRIP1 (BRCA1 interacting DNA helicase 1; minus strand). Cytogenetic location: 17q23.2.
Variant type: single nucleotide variant.
Coding change: c.3569G>C on transcript NM_032043.3 (MANE Select); coding-DNA position 3569, G replaced by C.
Protein change: p.Cys1190Ser; replaces cysteine 1190 with serine.
Molecular consequence: missense variant.
Genome position (GRCh38, 1-based): chr17:61,683,477, C>G on the plus strand (G>C on the coding strand, the complement: BRIP1 is on the minus strand). VCF-style: chr17-61683477-C-G. GRCh37 (hg19) VCF-style: chr17-59760838-C-G.
Other names: short protein forms C1190S.
Identifiers: ClinVar variation 1021099 (VCV001021099.12), dbSNP rs2061301683, ClinGen allele CA400478222.
Genomic context (GRCh38, chr17:61,683,477, plus strand): 5'-TCAATGTCATCAATTTTACTTTCTTCAATATGCAGAATTCCATTCAACTTTGTATCTATG[C>G]AATCCTCAGCTTTCACTTCTCTGGCTGAATCTACTTCTTTTATAGTTCTAATTTCAAAAA-3'
Protein context (NP_114432.2, residues 1180-1200): DSAREVKAED[Cys1190Ser]IDTKLNGILH

ClinVar aggregate classification (germline): Uncertain significance. Review status: criteria provided, multiple submitters, no conflicts (2 of 4 stars). 2 submissions from 2 submitters: Uncertain significance (2). Last evaluated 2025-10-21.

Conditions:
Fanconi anemia complementation group J. Also called: BRIP1-Related Fanconi Anemia. Identifiers: Orphanet 84, MedGen C1836860, MONDO:0012187, OMIM 609054.
Familial cancer of breast. Also called: BREAST CANCER, FAMILIAL; hereditary breast carcinoma; Hereditary breast cancer. Identifiers: Orphanet 227535, MedGen C0346153, MONDO:0016419, OMIM 114480. Disease mechanism: loss of function.
Hereditary cancer-predisposing syndrome. Also called: Hereditary neoplastic syndrome; Neoplastic Syndromes, Hereditary; Tumor predisposition; Hereditary Cancer Syndrome. Identifiers: Orphanet 140162, MedGen C0027672, MeSH D009386, MONDO:0015356.

Submissions (2):

Labcorp Genetics (formerly Invitae), Labcorp
Classification: Uncertain significance for Familial cancer of breast; Fanconi anemia complementation group J. Last evaluated: 2025-10-21. Review status: criteria provided, single submitter. Criteria: Invitae Variant Classification Sherloc (09022015). Collection method: clinical testing. Allele origin: germline.
Comment: This sequence change replaces cysteine, which is neutral and slightly polar, with serine, which is neutral and polar, at codon 1190 of the BRIP1 protein (p.Cys1190Ser). This variant is not present in population databases (gnomAD no frequency). This variant has not been reported in the literature in individuals affected with BRIP1-related conditions. ClinVar contains an entry for this variant (Variation ID: 1021099). Invitae Evidence Modeling of protein sequence and biophysical properties (such as structural, functional, and spatial information, amino acid conservation, physicochemical variation, residue mobility, and thermodynamic stability) indicates that this missense variant is not expected to disrupt BRIP1 protein function with a negative predictive value of 95%. In summary, the available evidence is currently insufficient to determine the role of this variant in disease. Therefore, it has been classified as a Variant of Uncertain Significance.

Ambry Genetics
Classification: Uncertain significance for Hereditary cancer-predisposing syndrome. Last evaluated: 2022-06-17. Review status: criteria provided, single submitter. Criteria: Ambry Variant Classification Scheme 2023. Collection method: clinical testing. Allele origin: germline.
Comment: The p.C1190S variant (also known as c.3569G>C), located in coding exon 19 of the BRIP1 gene, results from a G to C substitution at nucleotide position 3569. The cysteine at codon 1190 is replaced by serine, an amino acid with dissimilar properties. This amino acid position is conserved. In addition, this alteration is predicted to be tolerated by in silico analysis. Since supporting evidence is limited at this time, the clinical significance of this alteration remains unclear.